The following is an entry in ClinVar:

ClinVar aggregate classification (germline): Uncertain significance (1 of 4 stars; one submission).

Conditions:
Jeune thoracic dystrophy. Also called: Jeune syndrome; Infantile thoracic dystrophy; Thoracic pelvic phalangeal dystrophy; Jeune's syndrome; Chondroectodermal dysplasia-like syndrome; Short-rib thoracic dysplasia. Identifiers: Orphanet 474, MedGen C0265275, MONDO:0018770.

Allele frequency attached by ClinVar (database versions not stated): gnomAD 0.00001; gnomAD exomes 0.00001; TOPMed 0.00001.
gnomAD v4.1: 19 of 1,478,988 alleles (0.0013%); highest among the groups gnomAD compares: South Asian, 0.003%; no homozygotes.

Submission:

Labcorp Genetics (formerly Invitae), Labcorp
Classification: Uncertain significance for Jeune thoracic dystrophy. Last evaluated: 2022-08-10. Review status: criteria provided, single submitter. Criteria: Invitae Variant Classification Sherloc (09022015). Collection method: clinical testing. Allele origin: germline.
Comment: This sequence change replaces tyrosine, which is neutral and polar, with histidine, which is basic and polar, at codon 2865 of the DYNC2H1 protein (p.Tyr2865His). The frequency data for this variant in the population databases is considered unreliable, as metrics indicate poor data quality at this position in the gnomAD database. This variant has not been reported in the literature in individuals affected with DYNC2H1-related conditions. Advanced modeling of protein sequence and biophysical properties (such as structural, functional, and spatial information, amino acid conservation, physicochemical variation, residue mobility, and thermodynamic stability) performed at Invitae indicates that this missense variant is not expected to disrupt DYNC2H1 protein function. In summary, the available evidence is currently insufficient to determine the role of this variant in disease. Therefore, it has been classified as a Variant of Uncertain Significance.

NM_001377.3(DYNC2H1):c.8593T>C (p.Tyr2865His)

Gene: DYNC2H1 (dynein cytoplasmic 2 heavy chain 1; plus strand). Cytogenetic location: 11q22.3.
Variant type: single nucleotide variant.
Coding change: c.8593T>C on transcript NM_001377.3 (MANE Select); coding-DNA position 8593, T replaced by C.
Protein change: p.Tyr2865His; replaces tyrosine 2865 with histidine.
Molecular consequence: missense variant.
Genome position (GRCh38, 1-based): chr11:103,211,842, T>C. VCF-style: chr11-103211842-T-C. GRCh37 (hg19) VCF-style: chr11-103082571-T-C.
Other names: c.8593T>C, p.Tyr2865His (NM_001080463.2); short protein forms Y2865H.
Identifiers: ClinVar variation 1990214 (VCV001990214.1), dbSNP rs1430269731, ClinGen allele CA382260469.